The following is an entry in ClinVar:

NM_001374504.1(TMPRSS6):c.-1-107C>T

Gene: TMPRSS6 (transmembrane serine protease 6; minus strand). Cytogenetic location: 22q12.3.
Variant type: single nucleotide variant.
Coding change: c.-1-107C>T on transcript NM_001374504.1 (MANE Select); 107 bases into the intron before 1 bases upstream of the start codon, C replaced by T.
Molecular consequence: intron variant. On other transcripts: 5 prime UTR variant (1).
Genome position (GRCh38, 1-based): chr22:37,103,525, G>A on the plus strand (C>T on the coding strand, the complement: TMPRSS6 is on the minus strand). VCF-style: chr22-37103525-G-A. GRCh37 (hg19) VCF-style: chr22-37499565-G-A.
Other names: p.Phe5=; c.-13C>T (NM_153609.4); c.-1-107C>T (NM_001289000.2, NM_001289001.2).
Identifiers: ClinVar variation 262723 (VCV000262723.15), dbSNP rs115270691, ClinGen allele CA10216257.

ClinVar aggregate classification (germline): Benign/Likely benign. Review status: criteria provided, multiple submitters, no conflicts (2 of 4 stars). 5 submissions from 5 submitters: Benign (4); Likely benign (1). Last evaluated 2026-01-12.

Conditions:
Microcytic anemia. Identifiers: MedGen C5194182, MONDO:0001245, HP:0001935. Disease mechanism: loss of function.

Allele frequency attached by ClinVar (database versions not stated): 1000 Genomes Project 0.01857; 1000 Genomes Project 30x 0.02014; ExAC 0.02119; gnomAD exomes 0.02124; gnomAD 0.02435 and 0.02489; TOPMed 0.02559; ESP Exome Variant Server 0.02883.
gnomAD v4.1: 42,715 of 1,614,108 alleles (2.6%); highest among the groups gnomAD compares: Middle Eastern, 6.8%; 634 homozygotes.

Submissions (5):

Labcorp Genetics (formerly Invitae), Labcorp
Classification: Benign. Last evaluated: 2026-01-12. Review status: criteria provided, single submitter. Criteria: Invitae Variant Classification Sherloc (09022015). Collection method: clinical testing. Allele origin: germline.

Mayo Clinic Laboratories, Mayo Clinic
Classification: Likely benign. Last evaluated: 2025-12-01. Review status: criteria provided, single submitter. Criteria: ACMG Guidelines, 2015. Collection method: clinical testing. Allele origin: germline. Observed: 53 variant alleles.
Comment: BS2, BP4, BP7

Illumina Laboratory Services, Illumina
Classification: Benign for Iron-refractory iron deficiency anemia. Last evaluated: 2018-01-13. Review status: criteria provided, single submitter. Criteria: ICSL Variant Classification Criteria 13 December 2019. Collection method: clinical testing. Allele origin: germline.
Comment: This variant was observed in the ICSL laboratory as part of a predisposition screen in an ostensibly healthy population. It had not been previously curated by ICSL or reported in the Human Gene Mutation Database (HGMD: prior to June 1st, 2018), and was therefore a candidate for classification through an automated scoring system. Utilizing variant allele frequency, disease prevalence and penetrance estimates, and inheritance mode, an automated score was calculated to assess if this variant is too frequent to cause the disease. Based on the score and internal cut-off values, a variant classified as benign is not then subjected to further curation. The score for this variant resulted in a classification of benign for this disease.

Breakthrough Genomics
Classification: Benign. Review status: criteria provided, single submitter. Criteria: ACMG Guidelines, 2015. Collection method: not provided. Allele origin: germline. Inheritance: Autosomal recessive inheritance. Affected: yes.

PreventionGenetics, part of Exact Sciences
Classification: Benign. Review status: criteria provided, single submitter. Criteria: ACMG Guidelines, 2015. Collection method: clinical testing. Allele origin: germline.